The following is an entry in ClinVar:

ClinVar aggregate classification (germline): Uncertain significance (1 of 4 stars; one submission).

Submission:

Labcorp Genetics (formerly Invitae), Labcorp
Classification: Uncertain significance. Last evaluated: 2025-10-22. Review status: criteria provided, single submitter. Criteria: Invitae Variant Classification Sherloc (09022015). Collection method: clinical testing. Allele origin: germline.
Comment: This sequence change replaces glycine, which is neutral and non-polar, with serine, which is neutral and polar, at codon 241 of the PSMB4 protein (p.Gly241Ser). This variant is present in population databases (rs374028323, gnomAD 0.005%). This variant has not been reported in the literature in individuals affected with PSMB4-related conditions. ClinVar contains an entry for this variant (Variation ID: 1922106). An algorithm developed to predict the effect of missense changes on protein structure and function (PolyPhen-2) suggests that this variant is likely to be disruptive. In summary, the available evidence is currently insufficient to determine the role of this variant in disease. Therefore, it has been classified as a Variant of Uncertain Significance.

NM_002796.3(PSMB4):c.721G>A (p.Gly241Ser)

Gene: PSMB4 (proteasome 20S subunit beta 4; plus strand). Cytogenetic location: 1q21.3.
Variant type: single nucleotide variant.
Coding change: c.721G>A on transcript NM_002796.3 (MANE Select); coding-DNA position 721, G replaced by A.
Protein change: p.Gly241Ser; replaces glycine 241 with serine.
Molecular consequence: missense variant.
Genome position (GRCh38, 1-based): chr1:151,401,569, G>A. VCF-style: chr1-151401569-G-A. GRCh37 (hg19) VCF-style: chr1-151374045-G-A.
Other names: short protein forms G241S.
Identifiers: ClinVar variation 1922106 (VCV001922106.5), dbSNP rs374028323, ClinGen allele CA1090783.